The following is an entry in ClinVar:

ClinVar aggregate classification (germline): Uncertain significance (1 of 4 stars; one submission).

Conditions:
Immunodeficiency 14 (IMD14A). Also called: p110-DELTA-ACTIVATING MUTATION CAUSING SENESCENT T CELLS, LYMPHADENOPATHY, AND IMMUNODEFICIENCY; IMMUNODEFICIENCY 14A WITH LYMPHOPROLIFERATION, AUTOSOMAL DOMINANT; ACTIVATED PI3K-DELTA SYNDROME 1; Activated PI3K Delta Syndrome Type 1 (APDS1). Identifiers: Orphanet 397596, Orphanet 693661, MedGen C5907821, MONDO:0014222, OMIM 615513.

Allele frequency attached by ClinVar (database versions not stated): gnomAD exomes 0.00001 and 0.00002; ExAC 0.00003; TOPMed 0.00001; gnomAD 0.00002.
gnomAD v4.1: 36 of 1,613,384 alleles (0.0022%); highest among the groups gnomAD compares: African/African-American, 0.0027%; no homozygotes.

Submission:

Labcorp Genetics (formerly Invitae), Labcorp
Classification: Uncertain significance for Activated PI3K-delta syndrome. Last evaluated: 2024-07-06. Review status: criteria provided, single submitter. Criteria: Invitae Variant Classification Sherloc (09022015). Collection method: clinical testing. Allele origin: germline.
Comment: This sequence change replaces alanine, which is neutral and non-polar, with valine, which is neutral and non-polar, at codon 723 of the PIK3CD protein (p.Ala723Val). This variant is present in population databases (rs765640030, gnomAD 0.003%). This variant has not been reported in the literature in individuals affected with PIK3CD-related conditions. ClinVar contains an entry for this variant (Variation ID: 639942). Advanced modeling of protein sequence and biophysical properties (such as structural, functional, and spatial information, amino acid conservation, physicochemical variation, residue mobility, and thermodynamic stability) performed at Invitae indicates that this missense variant is not expected to disrupt PIK3CD protein function with a negative predictive value of 80%. In summary, the available evidence is currently insufficient to determine the role of this variant in disease. Therefore, it has been classified as a Variant of Uncertain Significance.

NM_005026.5(PIK3CD):c.2168C>T (p.Ala723Val)

Gene: PIK3CD (phosphatidylinositol-4,5-bisphosphate 3-kinase catalytic subunit delta; plus strand). Cytogenetic location: 1p36.22.
Variant type: single nucleotide variant.
Coding change: c.2168C>T on transcript NM_005026.5 (MANE Select); coding-DNA position 2168, C replaced by T.
Protein change: p.Ala723Val; replaces alanine 723 with valine.
Molecular consequence: missense variant.
Genome position (GRCh38, 1-based): chr1:9,722,087, C>T. VCF-style: chr1-9722087-C-T. GRCh37 (hg19) VCF-style: chr1-9782145-C-T.
Other names: c.2168C>T (LRG_191t1); c.2165C>T, p.Ala722Val (NM_001350234.2); c.2081C>T, p.Ala694Val (NM_001350235.1); short protein forms A723V, A694V, A722V.
Identifiers: ClinVar variation 639942 (VCV000639942.9), dbSNP rs765640030, ClinGen allele CA577451.